The following is an entry in ClinVar:

NM_001376571.1(MADD):c.2260C>T (p.Arg754Cys)

Gene: MADD (MAP kinase activating death domain; plus strand). Cytogenetic location: 11p11.2.
Variant type: single nucleotide variant.
Coding change: c.2260C>T on transcript NM_001376571.1 (MANE Select); coding-DNA position 2260, C replaced by T.
Protein change: p.Arg754Cys; replaces arginine 754 with cysteine.
Molecular consequence: missense variant. On other transcripts: non-coding transcript variant (8).
Genome position (GRCh38, 1-based): chr11:47,285,043, C>T. VCF-style: chr11-47285043-C-T. GRCh37 (hg19) VCF-style: chr11-47306594-C-T.
Other names: c.2260C>T, p.Arg754Cys (NM_001376661.1, NM_001376662.1, NM_003682.4 and 79 more transcripts); c.1594C>T, p.Arg532Cys (NM_001376663.1); c.2056C>T, p.Arg686Cys (NM_001376626.1, NM_001376627.1, NM_001376644.1 and 9 more transcripts); c.2236C>T, p.Arg746Cys (NM_001376602.1); short protein forms R532C, R686C, R746C, R754C.
Identifiers: ClinVar variation 1701715 (VCV001701715.4), dbSNP rs374366101, ClinGen allele CA5974396.

ClinVar aggregate classification (germline): Uncertain significance. Review status: criteria provided, multiple submitters, no conflicts (2 of 4 stars). 2 submissions from 2 submitters: Uncertain significance (2). Last evaluated 2025-07-03.

Conditions:
Inborn genetic diseases. Identifiers: MedGen C0950123, MeSH D030342.
Deeah syndrome. Also called: DEVELOPMENTAL DELAY WITH ENDOCRINE, EXOCRINE, AUTONOMIC, AND HEMATOLOGIC ABNORMALITIES. Identifiers: Orphanet 686495, MedGen C5436579, MONDO:0033561, OMIM 619004.
Neurodevelopmental disorder with dysmorphic facies, impaired speech, and hypotonia. Identifiers: MedGen C5436585, MONDO:0033562, OMIM 619005.

Allele frequency attached by ClinVar (database versions not stated): ExAC 0.00002; gnomAD 0.00003; gnomAD exomes 0.00003; TOPMed 0.00003; ESP Exome Variant Server 0.00008.
gnomAD v4.1: 33 of 1,613,984 alleles (0.002%); highest among the groups gnomAD compares: South Asian, 0.02%; no homozygotes.

Submissions (2):

Ambry Genetics
Classification: Uncertain significance for Inborn genetic diseases. Last evaluated: 2025-07-03. Review status: criteria provided, single submitter. Criteria: Ambry Variant Classification Scheme 2023. Collection method: clinical testing. Allele origin: germline.

New York Genome Center
Classification: Uncertain significance for Neurodevelopmental disorder with dysmorphic facies, impaired speech, and hypotonia; Deeah syndrome. Last evaluated: 2022-02-02. Review status: criteria provided, single submitter. Criteria: NYGC Assertion Criteria 2020. Collection method: clinical testing. Allele origin: inherited. Observed: 1 compound heterozygote. Study: CSER-NYCKidSeq.
Comment: The inherited heterozygous missense variant c.2260C>T (p.Arg754Cys) identified in the MADD gene has not been reported in affected individuals in the literature. The variant has 0.00003287 allele frequencyin the gnomAD (v3.1.2) database (5 out of 152110 heterozygous alleles, no homozygotes) and 0.00003183 allelefrequency in the gnomAD (v2.1.1) database (9 out of 282774 heterozygous alleles, no homozygotes) suggesting it is not a common benign variant in the populations represented in that database. This variant affects a moderately conserved residue (Arg754) of the MADD gene and multiple in silico tools provide conflicting predictions about the potential pathogenicity of this variant (CADD score = 23.7, REVEL score = 0.09). Due to the lack of compelling evidence for its pathogenicity, the heterozygous c.2260C>T (p.Arg754Cys) missense variant identified in the MADD gene is reported as a Variant of Uncertain Significance.